The following is an entry in ClinVar:

NM_005859.5(PURA):c.42_57del (p.Leu15fs)

Gene: PURA (purine rich element binding protein A; plus strand). Cytogenetic location: 5q31.3.
Variant type: Deletion.
Coding change: c.42_57del on transcript NM_005859.5 (MANE Select); coding-DNA positions 42 to 57, 16 bases deleted (GCTGGGTTCGGGCGGC).
Protein change: p.Leu15fs; shifts the reading frame from leucine 15.
Molecular consequence: frameshift variant.
Genome position (GRCh38, 1-based): chr5:140,114,223-140,114,238, GCTGGGTTCGGGCGGC deleted; deleting any 16 consecutive bases within chr5:140,114,218-140,114,238 gives the same sequence; the c. name uses the placement nearest the transcript's 3' end. VCF-style (leftmost placement, unchanged base first): chr5-140114217-TGCGGCGCTGGGTTCGG-T. GRCh37 (hg19) VCF-style: chr5-139493802-TGCGGCGCTGGGTTCGG-T.
Other names: c.42_57delGCTGGGTTCGGGCGGC (NM_005859.4); short protein forms L15fs.
Identifiers: ClinVar variation 280744 (VCV000280744.2), dbSNP rs886041894, ClinGen allele CA10602962.
Genomic context (GRCh38, chr5:140,114,217, plus strand): 5'-CGGCGCGGCAGCGGAGCGCAGCATCATGGCGGACCGAGACAGCGGCAGCGAGCAGGGTGG[TGCGGCGCTGGGTTCGG>T]GCGGCTCCCTGGGGCACCCCGGCTCGGGCTCAGGCTCCGGCGGGGGCGGTGGTGGCGGCG-3'

ClinVar aggregate classification (germline): Pathogenic (1 of 4 stars; one submission).

Submission:

GeneDx
Classification: Pathogenic. Last evaluated: 2016-07-14. Review status: criteria provided, single submitter. Criteria: GeneDx Variant Classification (06012015). Collection method: clinical testing. Allele origin: germline. Affected: yes.
Comment: The c.42_57del16 variant in the PURA gene has not been reported previously as a pathogenic variant nor as a benign variant, to our knowledge. The c.42_57del16 variant causes a frameshift starting with codon Leucine 15, changes this amino acid to a Proline residue, and creates a premature Stop codon at position 58 of the new reading frame, denoted p.Leu15ProfsX58. This variant caused the last 308 amino acid residues to be replaced by 57 incorrect amino acid residues and is predicted to cause loss of normal protein function through protein truncation. Therefore, we interpret 42_57del16 as a pathogenic variant